The following is an entry in ClinVar:

ClinVar aggregate classification (germline): Uncertain significance (1 of 4 stars; one submission).

Conditions:
Emery-Dreifuss muscular dystrophy 4, autosomal dominant (EDMD4). Also called: EMERY-DREIFUSS MUSCULAR DYSTROPHY 4 WITH VARIABLE FEATURES. Identifiers: Orphanet 261, MedGen C2751807, MONDO:0013071, OMIM 612998.
Autosomal recessive ataxia, Beauce type. Also called: SYNE1-Related Autosomal Recessive Cerebellar Ataxia; SYNE1 Deficiency; Spinocerebellar ataxia, autosomal recessive 8; ATAXIA, RECESSIVE, OF BEAUCE. Identifiers: Orphanet 88644, MedGen C1853116, MONDO:0012549, OMIM 610743.

Allele frequency attached by ClinVar (database versions not stated): ExAC 0.00001.
gnomAD v4.1: 2 of 1,614,174 alleles (0.00012%); highest among the groups gnomAD compares: Non-Finnish European, 0.00017%; no homozygotes.

Submission:

Labcorp Genetics (formerly Invitae), Labcorp
Classification: Uncertain significance for Emery-Dreifuss muscular dystrophy 4, autosomal dominant; Autosomal recessive ataxia, Beauce type. Last evaluated: 2022-08-15. Review status: criteria provided, single submitter. Criteria: Invitae Variant Classification Sherloc (09022015). Collection method: clinical testing. Allele origin: germline.
Comment: This sequence change replaces histidine, which is basic and polar, with tyrosine, which is neutral and polar, at codon 3962 of the SYNE1 protein (p.His3962Tyr). This variant is present in population databases (rs780954915, gnomAD 0.0009%). This variant has not been reported in the literature in individuals affected with SYNE1-related conditions. Algorithms developed to predict the effect of missense changes on protein structure and function output the following: SIFT: "Tolerated"; PolyPhen-2: "Benign"; Align-GVGD: "Class C0". The tyrosine amino acid residue is found in multiple mammalian species, which suggests that this missense change does not adversely affect protein function. In summary, the available evidence is currently insufficient to determine the role of this variant in disease. Therefore, it has been classified as a Variant of Uncertain Significance.

NM_182961.4(SYNE1):c.12097C>T (p.His4033Tyr)

Gene: SYNE1 (spectrin repeat containing nuclear envelope protein 1; minus strand). Cytogenetic location: 6q25.2.
Variant type: single nucleotide variant.
Coding change: c.12097C>T on transcript NM_182961.4 (MANE Select); coding-DNA position 12097, C replaced by T.
Protein change: p.His4033Tyr; replaces histidine 4033 with tyrosine.
Molecular consequence: missense variant.
Genome position (GRCh38, 1-based): chr6:152,344,209, G>A on the plus strand (C>T on the coding strand, the complement: SYNE1 is on the minus strand). VCF-style: chr6-152344209-G-A. GRCh37 (hg19) VCF-style: chr6-152665344-G-A.
Other names: c.11884C>T, p.His3962Tyr (NM_033071.5); short protein forms H3962Y, H4033Y.
Identifiers: ClinVar variation 1716459 (VCV001716459.5), dbSNP rs780954915, ClinGen allele CA4056508.